The following is an entry in ClinVar:

ClinVar aggregate classification (germline): Uncertain significance (1 of 4 stars; one submission).

Conditions:
Mitochondrial DNA depletion syndrome 13. Also called: FBXL4-Related Encephalomyopathic Mitochondrial DNA Depletion Syndrome; Mitochondrial DNA depletion syndrome 13 (encephalomyopathic type). Identifiers: Orphanet 369897, MedGen C3809592, MONDO:0014198, OMIM 615471.

Allele frequency attached by ClinVar (database versions not stated): gnomAD exomes below 0.00001; ExAC 0.00001.

Submission:

Wong Mito Lab, Molecular and Human Genetics, Baylor College of Medicine
Classification: Uncertain significance for Mitochondrial DNA depletion syndrome 13. Last evaluated: 2017-08-10. Review status: criteria provided, single submitter. Criteria: ACMG Guidelines, 2015. Collection method: reference population. Allele origin: germline.
Comment: The NM_012160.4:c.1318-10C>T (NP_036292.2:p.=) [GRCH38: NC_000006.12:g.98880634G>A] variant in FBXL4 gene is interpretated to be a Uncertain Significance - Insufficient Evidence based on ACMG guidelines (PMID: 25741868). This variant meets one or more of the following evidence codes reported in the ACMG-guideline. PM2:This variant is absent in key population databases. PP3:Computational evidence/predictors indicate the variant has deleterious effect on FBXL4 structure, function, or protein-protein interaction. Based on this evidence code ClinGen Pathogenicity Calculator (PMID:28081714) suggested that the variant is Uncertain Significance - Insufficient Evidence.

NM_001278716.2(FBXL4):c.1318-10C>T

Gene: FBXL4 (F-box and leucine rich repeat protein 4; minus strand). Cytogenetic location: 6q16.1.
Variant type: single nucleotide variant.
Coding change: c.1318-10C>T on transcript NM_001278716.2 (MANE Select); 10 bases into the intron before coding-DNA position 1318, C replaced by T.
Molecular consequence: intron variant.
Genome position (GRCh38, 1-based): chr6:98,880,634, G>A on the plus strand (C>T on the coding strand, the complement: FBXL4 is on the minus strand). VCF-style: chr6-98880634-G-A. GRCh37 (hg19) VCF-style: chr6-99328510-G-A.
Other names: c.1318-10C>T (NM_012160.5).
Identifiers: ClinVar variation 437733 (VCV000437733.1), dbSNP rs779074627, ClinGen allele CA3933474.